The following is an entry in ClinVar:

NM_001034850.3(RETREG1):c.42C>T (p.Cys14=)

Genes: RETREG1 (reticulophagy regulator 1; minus strand), RETREG1-AS1 (RETREG1 antisense RNA 1; plus strand), LOC129993734 (ATAC-STARR-seq lymphoblastoid silent region 15947; plus strand). Cytogenetic location: 5p15.1.
Variant type: single nucleotide variant.
Coding change: c.42C>T on transcript NM_001034850.3 (MANE Select); coding-DNA position 42, C replaced by T.
Protein change: p.Cys14=; no amino-acid change (cysteine 14 retained).
Molecular consequence: synonymous variant.
Genome position (GRCh38, 1-based): chr5:16,616,930, G>A on the plus strand (C>T on the coding strand, the complement: RETREG1 is on the minus strand). VCF-style: chr5-16616930-G-A. GRCh37 (hg19) VCF-style: chr5-16617039-G-A.
Identifiers: ClinVar variation 515120 (VCV000515120.8), dbSNP rs1554026816, ClinGen allele CA443418889.

ClinVar aggregate classification (germline): Likely benign. Review status: criteria provided, multiple submitters, no conflicts (2 of 4 stars). 3 submissions from 3 submitters: Likely benign (3). Last evaluated 2024-07-06.

Conditions:
Inborn genetic diseases. Identifiers: MedGen C0950123, MeSH D030342.

gnomAD v4.1: 1 of 1,475,396 alleles (0.000068%); highest among the groups gnomAD compares: Non-Finnish European, 0.000089%; no homozygotes.

Submissions (3):

Labcorp Genetics (formerly Invitae), Labcorp
Classification: Likely benign. Last evaluated: 2024-07-06. Review status: criteria provided, single submitter. Criteria: Invitae Variant Classification Sherloc (09022015). Collection method: clinical testing. Allele origin: germline.

Ambry Genetics
Classification: Likely benign for Inborn genetic diseases. Last evaluated: 2019-07-11. Review status: criteria provided, single submitter. Criteria: Ambry Variant Classification Scheme 2023. Collection method: clinical testing. Allele origin: germline.

GeneDx
Classification: Likely benign. Last evaluated: 2018-02-08. Review status: criteria provided, single submitter. Criteria: GeneDx Variant Classification (06012015). Collection method: clinical testing. Allele origin: germline. Affected: yes.
Comment: This variant is considered likely benign or benign based on one or more of the following criteria: it is a conservative change, it occurs at a poorly conserved position in the protein, it is predicted to be benign by multiple in silico algorithms, and/or has population frequency not consistent with disease.